The following is an entry in ClinVar:

NM_001122681.2(SH3BP2):c.1253C>A (p.Pro418His)

Gene: SH3BP2 (SH3 domain binding protein 2; plus strand). Cytogenetic location: 4p16.3.
Variant type: single nucleotide variant.
Coding change: c.1253C>A on transcript NM_001122681.2 (MANE Select); coding-DNA position 1253, C replaced by A.
Protein change: p.Pro418His; replaces proline 418 with histidine.
Molecular consequence: missense variant.
Genome position (GRCh38, 1-based): chr4:2,831,582, C>A. VCF-style: chr4-2831582-C-A. GRCh37 (hg19) VCF-style: chr4-2833309-C-A.
Other names: c.1337C>A, p.Pro446His (NM_001145855.2, LRG_1334t2); c.1424C>A, p.Pro475His (NM_001145856.2); c.1253C>A, p.Pro418His (NM_003023.4, LRG_1334t1); short protein forms P418H, P446H, P475H.
Identifiers: ClinVar variation 7549 (VCV000007549.9), dbSNP rs121909146, ClinGen allele CA254208.
Genomic context (GRCh38, chr4:2,831,582, plus strand): 5'-CCGTGTCTGACAGTGAAATGGTCCTGCCTTCCTCTCCCTGCCCCTCCAGGCGATCACCCC[C>A]CGATGGGCAGAGTTTCAGGAGCTTCTCCTTTGAAAAGCCCCGGCAACCCTCACAGGCTGA-3'
Protein context (NP_001116153.1, residues 408-428): PQLPHLQRSP[Pro418His]DGQSFRSFSF

ClinVar aggregate classification (germline): Pathogenic/Likely pathogenic. Review status: criteria provided, multiple submitters, no conflicts (2 of 4 stars). 4 submissions from 4 submitters: Pathogenic (2); Likely pathogenic (1). 1 of the submissions does not count toward it. Last evaluated 2025-09-03.

Conditions:
SH3BP2-related disorder. Also called: SH3BP2-related condition.
Fibrous dysplasia of jaw (CRBM). Also called: Cherubism. Identifiers: Orphanet 184, MedGen C0008029, MONDO:0007315, OMIM 118400.

gnomAD v4.1: 1 of 1,588,300 alleles (0.000063%); highest among the groups gnomAD compares: African/African-American, 0.0013%; no homozygotes.

Submissions (4):

Labcorp Genetics (formerly Invitae), Labcorp
Classification: Pathogenic for Fibrous dysplasia of jaw. Last evaluated: 2025-09-03. Review status: criteria provided, single submitter. Criteria: Invitae Variant Classification Sherloc (09022015). Collection method: clinical testing. Allele origin: germline.
Comment: This sequence change replaces proline, which is neutral and non-polar, with histidine, which is basic and polar, at codon 418 of the SH3BP2 protein (p.Pro418His). This variant is not present in population databases (gnomAD no frequency). This missense change has been observed in individual(s) with cherubism (PMID: 11381256, 28644570). It has also been observed to segregate with disease in related individuals. ClinVar contains an entry for this variant (Variation ID: 7549). Invitae Evidence Modeling of protein sequence and biophysical properties (such as structural, functional, and spatial information, amino acid conservation, physicochemical variation, residue mobility, and thermodynamic stability) has been performed for this missense variant. However, the output from this modeling did not meet the statistical confidence thresholds required to predict the impact of this variant on SH3BP2 protein function. Experimental studies have shown that this missense change affects SH3BP2 function (PMID: 15507112, 21794028, 22153076, 22153077). This variant disrupts the p.Pro418 amino acid residue in SH3BP2. Other variant(s) that disrupt this residue have been determined to be pathogenic (PMID: 17321449, 23298620, 28644570). This suggests that this residue is clinically significant, and that variants that disrupt this residue are likely to be disease-causing. For these reasons, this variant has been classified as Pathogenic.

Variantyx, Inc.
Classification: Likely pathogenic for Fibrous dysplasia of jaw. Last evaluated: 2025-06-23. Review status: criteria provided, single submitter. Criteria: Variantyx Assertion Criteria 2022. Collection method: clinical testing. Allele origin: germline. Inheritance: Autosomal dominant inheritance. Affected: yes.
Comment: This is a nonsynonymous variant in the SH3BP2 gene (OMIM: 602104). Pathogenic variants in this gene have been associated with autosomal dominant cherubism. Functional studies have shown that this variant alters SH3BP2 protein function (PMID: 22153077) (PS3), and multiple computational algorithms predict a deleterious effect for this variant (REVEL score: 0.69) (PP3). This variant lies within a known hotspot for pathogenic variants or a well-established critical functional domain of the SH3BP2 protein (PMID: 22153077) (PM1). This variant has been reported in several unrelated affected individuals (PMID: 11381256, 28644570) (PS4) and has a 0.0030% maximum allele frequency in non-founder control populations (PM2). Based on the current evidence, this variant is classified as likely pathogenic for autosomal dominant cherubism.

Blueprint Genetics
Classification: Pathogenic for SH3BP2-related disorders. Last evaluated: 2022-08-16. Review status: criteria provided, single submitter. Criteria: ACMG Guidelines, 2015. Collection method: clinical testing. Allele origin: germline. Affected: yes. Observed: 1 variant allele.

OMIM
Classification: Pathogenic for CHERUBISM. Last evaluated: 2001-06-01. Review status: no assertion criteria provided. Collection method: literature only. Allele origin: germline. Not counted in ClinVar's aggregate classification.

Literature cited by the submitters: PubMed 11381256 (cited by 3 submitters); PubMed 28644570 (cited by Labcorp Genetics (formerly Invitae), Labcorp and Variantyx, Inc.); PubMed 15507112 (cited by Labcorp Genetics (formerly Invitae), Labcorp); PubMed 21794028 (cited by Labcorp Genetics (formerly Invitae), Labcorp); PubMed 22153076 (cited by Labcorp Genetics (formerly Invitae), Labcorp); PubMed 22153077 (cited by Labcorp Genetics (formerly Invitae), Labcorp and Variantyx, Inc.); PubMed 17321449 (cited by Labcorp Genetics (formerly Invitae), Labcorp); PubMed 23298620 (cited by Labcorp Genetics (formerly Invitae), Labcorp).